The following is an entry in ClinVar:

ClinVar aggregate classification (germline): Uncertain significance (1 of 4 stars; one submission).

Submission:

Labcorp Genetics (formerly Invitae), Labcorp
Classification: Uncertain significance. Last evaluated: 2025-10-07. Review status: criteria provided, single submitter. Criteria: Invitae Variant Classification Sherloc (09022015). Collection method: clinical testing. Allele origin: germline.
Comment: This sequence change creates a premature translational stop signal (p.Leu1202Trpfs*9) in the A2ML1 gene. It is expected to result in an absent or disrupted protein product. However, the current clinical and genetic evidence is not sufficient to establish whether loss-of-function variants in A2ML1 cause disease. This variant is not present in population databases (gnomAD no frequency). This variant has not been reported in the literature in individuals affected with A2ML1-related conditions. In summary, the available evidence is currently insufficient to determine the role of this variant in disease. Therefore, it has been classified as a Variant of Uncertain Significance.

NM_144670.6(A2ML1):c.3605del (p.Leu1202fs)

Gene: A2ML1 (alpha-2-macroglobulin like 1; plus strand). Cytogenetic location: 12p13.31.
Variant type: Deletion.
Coding change: c.3605del on transcript NM_144670.6 (MANE Select); coding-DNA position 3605, one base deleted (T; older notation c.3605delT).
Protein change: p.Leu1202fs; shifts the reading frame from leucine 1202.
Molecular consequence: frameshift variant.
Genome position (GRCh38, 1-based): chr12:8,863,896, T deleted; the last of 2 consecutive T bases (chr12:8,863,895-8,863,896); deleting either gives the same sequence. VCF-style (leftmost placement, unchanged base first): chr12-8863894-GT-G. GRCh37 (hg19) VCF-style: chr12-9016490-GT-G.
Other names: c.2132del, p.Leu711fs (NM_001282424.3); short protein forms L711fs, L1202fs.
Identifiers: ClinVar variation 4722986 (VCV004722986.1).
Genomic context (GRCh38, chr12:8,863,894, plus strand): 5'-GAACGCCAGCCCTTGGTCTGAGCCTGCGGCTGTAGATGTGGAACTCACAGCATATGCATT[GT>G]TGGCCCAGCTTACCAAGCCCAGCCTGACTCAAAAGGAGATAGCGAAGGCCACTAGCATAG-3'